The following is an entry in ClinVar:

NM_000548.5(TSC2):c.5106C>T (p.Ile1702=)

Genes: PKD1 (polycystin 1, transient receptor potential channel interacting; minus strand), TSC2 (TSC complex subunit 2; plus strand). Cytogenetic location: 16p13.3.
Variant type: single nucleotide variant.
Coding change: c.5106C>T on transcript NM_000548.5 (MANE Select); coding-DNA position 5106, C replaced by T.
Protein change: p.Ile1702=; no amino-acid change (isoleucine 1702 retained).
Molecular consequence: synonymous variant.
Genome position (GRCh38, 1-based): chr16:2,088,085, C>T. VCF-style: chr16-2088085-C-T. GRCh37 (hg19) VCF-style: chr16-2138086-C-T.
Other names: c.4905C>T, p.Ile1635= (NM_001077183.3); c.5037C>T, p.Ile1679= (NM_001114382.3); c.4797C>T, p.Ile1599= (NM_001318827.2); c.4761C>T, p.Ile1587= (NM_001318829.2); c.4374C>T, p.Ile1458= (NM_001318831.2); c.4938C>T, p.Ile1646= (NM_001318832.2); c.4908C>T, p.Ile1636= (NM_001363528.2); c.4974C>T, p.Ile1658= (NM_001370404.1); and 2 more.
Identifiers: ClinVar variation 378793 (VCV000378793.41), dbSNP rs45483700, ClinGen allele CA053958.

ClinVar aggregate classification (germline): Benign/Likely benign. Review status: criteria provided, multiple submitters, no conflicts (2 of 4 stars). 12 submissions from 12 submitters: Benign (5); Likely benign (6). 1 of the submissions does not count toward it. Last evaluated 2026-03-01.

Conditions:
Tuberous sclerosis 2 (TSC2). Identifiers: Orphanet 805, MedGen C1860707, MONDO:0013199, OMIM 613254.
Hereditary cancer-predisposing syndrome. Also called: Tumor predisposition; Hereditary Cancer Syndrome; Hereditary neoplastic syndrome; Neoplastic Syndromes, Hereditary. Identifiers: Orphanet 140162, MedGen C0027672, MeSH D009386, MONDO:0015356.
Polycystic kidney disease, adult type (PKD1). Also called: Polycystic Kidney Disease 1, Autosomal Dominant; Polycystic kidney disease 1; Polycystic kidney disease 1, severe; POLYCYSTIC KIDNEY DISEASE 1 WITH OR WITHOUT POLYCYSTIC LIVER DISEASE; POLYCYSTIC KIDNEY DISEASE, ADULT, TYPE I; Polycystic Kidney, Autosomal Dominant. Identifiers: MedGen C3149841, MONDO:0008263, OMIM 173900.
TSC2-related disorder. Also called: TSC2-related condition; TSC2-Related Disorders.
Tuberous sclerosis syndrome (TSC). Also called: Tuberous Sclerosis Complex; Tuberous sclerosis. Identifiers: Orphanet 805, MedGen C0041341, MONDO:0001734.

Allele frequency attached by ClinVar (database versions not stated): TOPMed 0.00003.
gnomAD v4.1: 126 of 1,612,696 alleles (0.0078%); highest among the groups gnomAD compares: Middle Eastern, 0.016%; no homozygotes.

Submissions (12):

CeGaT Center for Human Genetics Tuebingen
Classification: Likely benign. Last evaluated: 2026-03-01. Review status: criteria provided, single submitter. Criteria: CeGaT Center For Human Genetics Tuebingen Variant Classification Criteria Version 2. Collection method: clinical testing. Allele origin: germline. Affected: yes. Observed: 1 variant allele.
Comment: TSC2: BP4, BP7

Labcorp Genetics (formerly Invitae), Labcorp
Classification: Benign for Tuberous sclerosis 2. Last evaluated: 2026-01-19. Review status: criteria provided, single submitter. Criteria: Invitae Variant Classification Sherloc (09022015). Collection method: clinical testing. Allele origin: germline.

Myriad Genetics, Inc.
Classification: Benign for Tuberous sclerosis 2. Last evaluated: 2025-06-06. Review status: criteria provided, single submitter. Criteria: Myriad Autosomal Dominant, Autosomal Recessive and X-Linked Classification Criteria (2023). Collection method: clinical testing. Allele origin: unknown.
Comment: This variant is considered benign. This variant is a silent/synonymous amino acid change and it is not expected to impact splicing.

KCCC/NGS Laboratory, Kuwait Cancer Control Center
Classification: Benign for Polycystic kidney disease, adult type. Last evaluated: 2025-02-01. Review status: criteria provided, single submitter. Criteria: ACMG Guidelines, 2015. Collection method: clinical testing. Allele origin: germline. Affected: no.

All of Us Research Program, National Institutes of Health
Classification: Likely benign for Tuberous sclerosis syndrome. Last evaluated: 2024-01-11. Review status: criteria provided, single submitter. Criteria: ACMG Guidelines, 2015. Collection method: clinical testing. Allele origin: germline. Inheritance: Autosomal dominant inheritance. Observed: 18 variant alleles, 18 heterozygotes.
Comment: This study involves interpretation of variants in research participants for the purpose of population health screening. Participant phenotype was not available at the time of variant classification. Additional details can be found in publication PMID: 35346344, PMCID: PMC8962531

Blueprint Genetics
Classification: Likely benign. Last evaluated: 2024-01-09. Review status: criteria provided, single submitter. Criteria: ACMG Guidelines, 2015. Collection method: clinical testing. Allele origin: germline.

Color Diagnostics, LLC DBA Color Health
Classification: Likely benign for Tuberous sclerosis syndrome. Last evaluated: 2022-11-06. Review status: criteria provided, single submitter. Criteria: ACMG Guidelines, 2015. Collection method: clinical testing. Allele origin: germline.

Genome-Nilou Lab
Classification: Benign for Tuberous sclerosis 2. Last evaluated: 2021-11-07. Review status: criteria provided, single submitter. Criteria: ACMG Guidelines, 2015. Collection method: clinical testing. Allele origin: germline. Affected: no.

Illumina Laboratory Services, Illumina
Classification: Likely benign for Tuberous sclerosis syndrome. Last evaluated: 2017-04-27. Review status: criteria provided, single submitter. Criteria: ICSL Variant Classification Criteria 13 December 2019. Collection method: clinical testing. Allele origin: germline.
Comment: This variant was observed as part of a predisposition screen in an ostensibly healthy population. A literature search was performed for the gene, cDNA change, and amino acid change (where applicable). Publications were found based on this search. The evidence from the literature, in combination with allele frequency data from public databases where available, was sufficient to determine this variant is unlikely to cause disease. Therefore, this variant is classified as likely benign.

Ambry Genetics
Classification: Likely benign for Hereditary cancer-predisposing syndrome. Last evaluated: 2016-01-07. Review status: criteria provided, single submitter. Criteria: Ambry Variant Classification Scheme 2023. Collection method: clinical testing. Allele origin: germline.

GeneDx
Classification: Benign. Last evaluated: 2015-06-23. Review status: criteria provided, single submitter. Criteria: GeneDx Variant Classification (06012015). Collection method: clinical testing. Allele origin: germline. Affected: yes.
Comment: This variant is considered likely benign or benign based on one or more of the following criteria: it is a conservative change, it occurs at a poorly conserved position in the protein, it is predicted to be benign by multiple in silico algorithms, and/or has population frequency not consistent with disease.

PreventionGenetics, part of Exact Sciences
Classification: Likely benign for TSC2-related condition. Last evaluated: 2021-11-16. Review status: no assertion criteria provided. Collection method: clinical testing. Allele origin: germline. Not counted in ClinVar's aggregate classification.
Comment: This variant is classified as likely benign based on ACMG/AMP sequence variant interpretation guidelines (Richards et al. 2015 PMID: 25741868, with internal and published modifications).

Literature cited by the submitters: PubMed 12111193 (cited by Illumina Laboratory Services, Illumina).